The following is an entry in ClinVar:

ClinVar aggregate classification (germline): Uncertain significance. Review status: criteria provided, multiple submitters, no conflicts (2 of 4 stars). 2 submissions from 2 submitters: Uncertain significance (2). Last evaluated 2025-07-16.

Conditions:
Fanconi anemia (FA). Also called: Fanconi's anemia. Identifiers: Orphanet 84, MedGen C0015625, MeSH D005199, MONDO:0019391.
Fanconi anemia complementation group P. Also called: SLX4-Related Fanconi Anemia. Identifiers: Orphanet 84, MedGen C3469542, MONDO:0013499, OMIM 613951.

Submissions (2):

Labcorp Genetics (formerly Invitae), Labcorp
Classification: Uncertain significance for Fanconi anemia. Last evaluated: 2025-07-16. Review status: criteria provided, single submitter. Criteria: Invitae Variant Classification Sherloc (09022015). Collection method: clinical testing. Allele origin: germline.
Comment: This variant, c.2523_2525del, results in the deletion of 1 amino acid(s) of the SLX4 protein (p.Glu841del), but otherwise preserves the integrity of the reading frame. This variant is not present in population databases (gnomAD no frequency). This variant has not been reported in the literature in individuals affected with SLX4-related conditions. Experimental studies and prediction algorithms are not available or were not evaluated, and the functional significance of this variant is currently unknown. In summary, the available evidence is currently insufficient to determine the role of this variant in disease. Therefore, it has been classified as a Variant of Uncertain Significance.

Fulgent Genetics
Classification: Uncertain significance for Fanconi anemia complementation group P. Last evaluated: 2021-11-18. Review status: criteria provided, single submitter. Criteria: ACMG Guidelines, 2015. Collection method: clinical testing. Allele origin: unknown.

NM_032444.4(SLX4):c.2520AGA[1] (p.Glu841del)

Gene: SLX4 (SLX4 structure-specific endonuclease subunit; minus strand). Cytogenetic location: 16p13.3.
Variant type: Microsatellite.
Coding change: c.2520AGA[1] on transcript NM_032444.4 (MANE Select); one copy of the 3-base unit AGA starting at c.2520; the reference has two copies in a row; one copy, 3 bases deleted; also written c.2523_2525del.
Protein change: p.Glu841del; deletes glutamic acid 841.
Molecular consequence: inframe deletion.
Genome position (GRCh38, 1-based): chr16:3,591,113-3,591,115, TCT deleted on the plus strand (AGA on the coding strand, the reverse complement: SLX4 is on the minus strand); deleting any 3 consecutive bases within chr16:3,591,113-3,591,120 gives the same sequence; the position shown is the placement nearest the transcript's 3' end. VCF-style (leftmost placement, unchanged base first): chr16-3591112-ATCT-A. GRCh37 (hg19) VCF-style: chr16-3641113-ATCT-A.
Other names: c.2523_2525del (NM_032444.4); short protein forms E841del.
Identifiers: ClinVar variation 1434561 (VCV001434561.9), dbSNP rs2151125733, ClinGen allele CA2575892795.